The following is an entry in ClinVar:

NM_001375978.1(CHRM3):c.591T>G (p.Phe197Leu)

Gene: CHRM3 (cholinergic receptor muscarinic 3; plus strand). Cytogenetic location: 1q43.
Variant type: single nucleotide variant.
Coding change: c.591T>G on transcript NM_001375978.1 (MANE Select); coding-DNA position 591, T replaced by G.
Protein change: p.Phe197Leu; replaces phenylalanine 197 with leucine.
Molecular consequence: missense variant.
Genome position (GRCh38, 1-based): chr1:239,908,042, T>G. VCF-style: chr1-239908042-T-G. GRCh37 (hg19) VCF-style: chr1-240071342-T-G.
Other names: c.591T>G, p.Phe197Leu (NM_000740.4, NM_001347716.2, NM_001375979.1 and 6 more transcripts); short protein forms F197L.
Identifiers: ClinVar variation 2913722 (VCV002913722.1), dbSNP rs202207074, ClinGen allele CA1475796.

ClinVar aggregate classification (germline): Uncertain significance (1 of 4 stars; one submission).

Allele frequency attached by ClinVar (database versions not stated): ExAC 0.00002; gnomAD 0.00002; TOPMed 0.00002.
gnomAD v4.1: 25 of 1,614,084 alleles (0.0015%); highest among the groups gnomAD compares: Non-Finnish European, 0.002%; no homozygotes.

Submission:

Labcorp Genetics (formerly Invitae), Labcorp
Classification: Uncertain significance. Last evaluated: 2023-12-22. Review status: criteria provided, single submitter. Criteria: Invitae Variant Classification Sherloc (09022015). Collection method: clinical testing. Allele origin: germline.
Comment: This sequence change replaces phenylalanine, which is neutral and non-polar, with leucine, which is neutral and non-polar, at codon 197 of the CHRM3 protein (p.Phe197Leu). This variant is present in population databases (rs202207074, gnomAD 0.004%). This variant has not been reported in the literature in individuals affected with CHRM3-related conditions. An algorithm developed to predict the effect of missense changes on protein structure and function (PolyPhen-2) suggests that this variant¬†is likely to be tolerated. In summary, the available evidence is currently insufficient to determine the role of this variant in disease. Therefore, it has been classified as a Variant of Uncertain Significance.